The following is an entry in ClinVar:

NM_000179.3(MSH6):c.3283C>T (p.Arg1095Cys)

Gene: MSH6 (mutS homolog 6; plus strand). Cytogenetic location: 2p16.3.
Variant type: single nucleotide variant.
Coding change: c.3283C>T on transcript NM_000179.3 (MANE Select); coding-DNA position 3283, C replaced by T.
Protein change: p.Arg1095Cys; replaces arginine 1095 with cysteine.
Molecular consequence: missense variant.
Genome position (GRCh38, 1-based): chr2:47,803,530, C>T. VCF-style: chr2-47803530-C-T. GRCh37 (hg19) VCF-style: chr2-48030669-C-T.
Other names: p.R1095C:CGC>TGC; c.2893C>T, p.Arg965Cys (NM_001281492.2); c.2377C>T, p.Arg793Cys (NM_001281493.2, NM_001281494.2); short protein forms R1095C, R965C, R793C.
Identifiers: ClinVar variation 127585 (VCV000127585.82), dbSNP rs376243329, ClinGen allele CA012434.

ClinVar aggregate classification (germline): Conflicting classifications of pathogenicity. Review status: criteria provided, conflicting classifications (1 of 4 stars). 23 submissions from 23 submitters: Uncertain significance (14); Benign (1); Likely benign (4). 4 of the submissions do not count toward it. Last evaluated 2026-02-03.

Conditions:
MSH6-related disorder. Also called: MSH6-Related disorders; MSH6-related condition.
Mismatch repair cancer syndrome 3. Identifiers: MedGen C5436807, MONDO:0030841, OMIM 619097.
Lynch syndrome 5 (LYNCH5). Also called: Colorectal cancer, hereditary nonpolyposis, type 5; Hereditary non-polyposis colorectal cancer, type 5. Identifiers: Orphanet 144, MedGen C1833477, MONDO:0013710, OMIM 614350. Disease mechanism: loss of function.
Endometrial carcinoma. Also called: Endometrial carcinoma, somatic. Identifiers: MedGen C0476089, MONDO:0002447, OMIM 608089, HP:0012114.
Hereditary nonpolyposis colorectal neoplasms. Identifiers: MedGen C0009405, MeSH D003123.
Breast and/or ovarian cancer. Identifiers: MedGen CN221562.
Hereditary cancer-predisposing syndrome. Also called: Neoplastic Syndromes, Hereditary; Hereditary neoplastic syndrome; Hereditary Cancer Syndrome; Tumor predisposition. Identifiers: Orphanet 140162, MedGen C0027672, MeSH D009386, MONDO:0015356.
Lynch syndrome. Identifiers: Orphanet 144, MedGen C4552100, MONDO:0005835. Disease mechanism: loss of function.

Allele frequency attached by ClinVar (database versions not stated): gnomAD 0.00006; ExAC 0.00007; ESP Exome Variant Server 0.00008; gnomAD exomes 0.00008 and 0.00014; TOPMed 0.00009.
gnomAD v4.1: 211 of 1,613,950 alleles (0.013%); highest among the groups gnomAD compares: Middle Eastern, 0.049%; no homozygotes.

Submissions 1 to 12 of 23:

Labcorp Genetics (formerly Invitae), Labcorp
Classification: Likely benign for Hereditary nonpolyposis colorectal neoplasms. Last evaluated: 2026-02-03. Review status: criteria provided, single submitter. Criteria: Invitae Variant Classification Sherloc (09022015). Collection method: clinical testing. Allele origin: germline.

Mayo Clinic Laboratories, Mayo Clinic
Classification: Uncertain significance. Last evaluated: 2025-09-06. Review status: criteria provided, single submitter. Criteria: ACMG Guidelines, 2015. Collection method: clinical testing. Allele origin: germline. Observed: 1 variant allele.
Comment: BS1

Color Diagnostics, LLC DBA Color Health
Classification: Uncertain significance for Hereditary cancer-predisposing syndrome. Last evaluated: 2025-02-18. Review status: criteria provided, single submitter. Criteria: ACMG Guidelines, 2015. Collection method: clinical testing. Allele origin: germline.
Comment: This missense variant replaces arginine with cysteine at codon 1095 of the MSH6 protein. Computational prediction suggests that this variant may have deleterious impact on protein structure and function (internally defined REVEL score threshold >= 0.7, PMID: 27666373). To our knowledge, functional studies have not been reported for this variant. This variant has been observed in individuals affected with Lynch syndrome-associated cancers (PMID: 12522549, 26845104, 30093976, 31391288), breast cancer (PMID: 30159786) and an unspecified cancer (PMID: 31391288). This variant also has been observed in a pancreatic cancer case-control study in multiple unaffected individuals and absent in affected individuals (PMID: 32980694), and in a breast cancer case-control study in both affected and unaffected individuals (PMID: 33471991). This variant has been identified in 211/1613950 chromosomes in the general population by the Genome Aggregation Database (gnomAD). The available evidence is insufficient to determine the role of this variant in disease conclusively. Therefore, this variant is classified as a Variant of Uncertain Significance.

Myriad Genetics, Inc.
Classification: Benign for Lynch syndrome 5. Last evaluated: 2025-01-06. Review status: criteria provided, single submitter. Criteria: Myriad Autosomal Dominant, Autosomal Recessive and X-Linked Classification Criteria (2023). Collection method: clinical testing. Allele origin: unknown.
Comment: This variant is considered benign. This variant is strongly associated with less severe personal and family histories of cancer, typical for individuals without pathogenic variants in this gene [PMID: 27363726 ]. This variant has been observed in conjunction with multiple pathogenic variants, reducing the likelihood this variant itself is pathogenic.

PreventionGenetics, part of Exact Sciences
Classification: Likely benign for MSH6-related condition. Last evaluated: 2024-11-12. Review status: criteria provided, single submitter. Criteria: ACMG Guidelines, 2015. Collection method: clinical testing. Allele origin: germline.
Comment: This variant is classified as likely benign based on ACMG/AMP sequence variant interpretation guidelines (Richards et al. 2015 PMID: 25741868, with internal and published modifications).

All of Us Research Program, National Institutes of Health
Classification: Uncertain significance for Lynch syndrome. Last evaluated: 2024-07-29. Review status: criteria provided, single submitter. Criteria: ACMG Guidelines, 2015. Collection method: clinical testing. Allele origin: germline. Inheritance: Autosomal dominant inheritance. Observed: 37 variant alleles, 37 heterozygotes.
Comment: This missense variant replaces arginine with cysteine at codon 1095 of the MSH6 protein. Computational prediction suggests that this variant may have deleterious impact on protein structure and function (internally defined REVEL score threshold >= 0.7, PMID: 27666373). To our knowledge, functional studies have not been reported for this variant. This variant has been observed in individuals affected with Lynch syndrome-associated cancers (PMID: 12522549, 26845104, 30093976, 31391288), breast cancer (PMID: 30159786) and an unspecified cancer (PMID: 31391288). This variant also has been observed in a pancreatic cancer case-control study in multiple unaffected individuals and absent in affected individuals (PMID: 32980694), and in a breast cancer case-control study in both affected and unaffected individuals (PMID: 33471991). This variant has been identified in 23/282860 chromosomes in the general population by the Genome Aggregation Database (gnomAD). The available evidence is insufficient to determine the role of this variant in disease conclusively. Therefore, this variant is classified as a Variant of Uncertain Significance.

This study involves interpretation of variants in research participants for the purpose of population health screening. Participant phenotype was not available at the time of variant classification. Additional details can be found in publication PMID: 35346344, PMCID: PMC8962531

ARUP Laboratories, Molecular Genetics and Genomics, ARUP Laboratories
Classification: Uncertain significance. Last evaluated: 2024-03-14. Review status: criteria provided, single submitter. Criteria: ARUP Molecular Germline Variant Investigation Process 2024. Collection method: clinical testing. Allele origin: germline.
Comment: The MSH6 c.3283C>T; p.Arg1095Cys variant (rs376243329; ClinVar ID: 127585) is reported in the literature in several individuals with cancer, though it was not demonstrated to be disease-causing (de Souza Timoteo 2018, Kiyozumi 2019, Li 2020). This variant is found in the non-Finnish European population with an allele frequency of 0.014% (18/129,178 alleles) in the Genome Aggregation Database (v2.1.1). Computational analyses predict that this variant is deleterious (REVEL: 0.859); however, however, a functional assay of mismatch repair activity suggests the variant has no impact on protein function (Houlleberghs 2017). Due to limited information, the clinical significance of the p.Arg1095Cys variant is uncertain at this time. References: de Souza Timoteo AR et al. A portrait of germline mutation in Brazilian at-risk for hereditary breast cancer. Breast Cancer Res Treat. 2018 Dec;172(3):637-646. PMID: 30159786. Houlleberghs H et al. Suspected Lynch syndrome associated MSH6 variants: A functional assay to determine their pathogenicity. PLoS Genet. 2017 May 22;13(5):e1006765. PMID: 28531214. Kiyozumi Y et al. Germline mismatch repair gene variants analyzed by universal sequencing in Japanese cancer patients. Cancer Med. 2019 Sep;8(12):5534-5543. PMID: 31386297. Li S et al. Tumour characteristics provide evidence for germline mismatch repair missense variant pathogenicity. J Med Genet. 2020 Jan;57(1):62-69. PMID: 31391288.

Blueprint Genetics
Classification: Uncertain significance. Last evaluated: 2024-03-08. Review status: criteria provided, single submitter. Criteria: ACMG Guidelines, 2015. Collection method: clinical testing. Allele origin: germline.

Hema, HEMA – Genetic and Molecular Diagnostic Laboratory
Classification: Uncertain significance for Lynch syndrome. Last evaluated: 2024-01-24. Review status: criteria provided, single submitter. Criteria: HEMA Variant Classification Assertion Criteria. Collection method: clinical testing. Allele origin: germline.
Comment: The c.3283C>T variant is a transition from cytosine to thymine that results in the substitution of arginine 1095 with cysteine. PP3_Moderate: Prior probability of pathogenicity score MAPP/PP2 = 0.9342 > 0.81. BS3_Supporting: Functional studies showed that the variant does not affect protein activity (PMID: 28531214).

Baylor Genetics
Classification: Uncertain significance for Endometrial carcinoma. Last evaluated: 2023-10-13. Review status: criteria provided, single submitter. Criteria: ACMG Guidelines, 2015. Collection method: clinical testing. Allele origin: unknown.

GeneDx
Classification: Uncertain significance. Last evaluated: 2023-09-07. Review status: criteria provided, single submitter. Criteria: GeneDx Variant Classification Process June 2021. Collection method: clinical testing. Allele origin: germline. Affected: yes.
Comment: Published functional studies demonstrate no damaging effect: proficient mismatch repair activity (Houlleberghs et al., 2017); In silico analysis supports that this missense variant has a deleterious effect on protein structure/function; This variant is associated with the following publications: (PMID: 23621914, 24728327, 31013963, 26845104, 12522549, 30159786, 30093976, 31386297, 24448499, 31391288, 29044863, 17531815, 21120944, 28531214, 33471991, 25085752, 36243179)

CHEO Genetics Diagnostic Laboratory, Children's Hospital of Eastern Ontario
Classification: Uncertain significance for Breast and/or ovarian cancer. Last evaluated: 2022-09-13. Review status: criteria provided, single submitter. Criteria: ACMG Guidelines, 2015. Collection method: clinical testing. Allele origin: germline.